The following is an entry in ClinVar:

NM_000334.4(SCN4A):c.739G>C (p.Val247Leu)

Gene: SCN4A (sodium voltage-gated channel alpha subunit 4; minus strand). Cytogenetic location: 17q23.3.
Variant type: single nucleotide variant.
Coding change: c.739G>C on transcript NM_000334.4 (MANE Select); coding-DNA position 739, G replaced by C.
Protein change: p.Val247Leu; replaces valine 247 with leucine.
Molecular consequence: missense variant.
Genome position (GRCh38, 1-based): chr17:63,968,320, C>G on the plus strand (G>C on the coding strand, the complement: SCN4A is on the minus strand). VCF-style: chr17-63968320-C-G. GRCh37 (hg19) VCF-style: chr17-62045680-C-G.
Other names: short protein forms V247L.
Identifiers: ClinVar variation 954819 (VCV000954819.16), dbSNP rs755321637, ClinGen allele CA8710048.
Genomic context (GRCh38, chr17:63,968,320, plus strand): 5'-CCAGCGCAAAGACGCTCAGGCAGAAGACAGTGAGGATCATCACATCCGACAGCTTTTTCA[C>G]CGACTGGATCAGGGCCCCCACGATCGTCTTCAGCCCTGACCGCAGAGAGGGCAAGGATAT-3'
Protein context (NP_000325.4, residues 237-257): KTIVGALIQS[Val247Leu]KKLSDVMILT

ClinVar aggregate classification (germline): Uncertain significance. Review status: criteria provided, multiple submitters, no conflicts (2 of 4 stars). 5 submissions from 5 submitters: Uncertain significance (5). Last evaluated 2025-11-05.

Conditions:
SCN4A-related disorder. Also called: SCN4A-related disorders.
Potassium-aggravated myotonia. Also called: Myotonia congenita, atypical, acetazolamide-responsive; MYOTONIA CONGENITA, ACETAZOLAMIDE-RESPONSIVE; MYOTONIA CONGENITA, ATYPICAL; SODIUM CHANNEL MUSCLE DISEASE. Identifiers: Orphanet 612, Orphanet 99734, Orphanet 99735, Orphanet 99736, MedGen C2931826, MONDO:0018959, OMIM 608390.
Congenital myasthenic syndrome 16. Identifiers: Orphanet 590, MedGen C3280112, MONDO:0013620, OMIM 614198.
Paramyotonia congenita of Von Eulenburg. Also called: Paramyotonia Congenita; PARALYSIS PERIODICA PARAMYOTONICA; Eulenburg disease; Myotonia congenita intermittens; Von Eulenburg paramyotonia congenita. Identifiers: Orphanet 684, MedGen C0221055, MONDO:0008195, OMIM 168300. Disease mechanism: loss of function.
Hypokalemic periodic paralysis, type 2 (HOKPP2). Identifiers: Orphanet 681, MedGen C2750061, MONDO:0013234, OMIM 613345.
Congenital myopathy 22A, classic (CMYO22A). Identifiers: MedGen C5830453, MONDO:0957247, OMIM 620351.
Congenital myopathy 22B, severe fetal (CMYO22B). Identifiers: MedGen C5830501, MONDO:0957265, OMIM 620369.
Hyperkalemic periodic paralysis. Also called: Familial hyperkalemic periodic paralysis; Gamstorp disease. Identifiers: Orphanet 682, MedGen C0238357, MONDO:0008224, OMIM 170500, HP:0007215.

Allele frequency attached by ClinVar (database versions not stated): gnomAD 0.00002; gnomAD exomes 0.00019; TOPMed 0.00006.
gnomAD v4.1: 56 of 1,608,198 alleles (0.0035%); highest among the groups gnomAD compares: Admixed American, 0.09%; no homozygotes.

Submissions (5):

Labcorp Genetics (formerly Invitae), Labcorp
Classification: Uncertain significance for Hyperkalemic periodic paralysis. Last evaluated: 2025-11-05. Review status: criteria provided, single submitter. Criteria: Invitae Variant Classification Sherloc (09022015). Collection method: clinical testing. Allele origin: germline.
Comment: This sequence change replaces valine, which is neutral and non-polar, with leucine, which is neutral and non-polar, at codon 247 of the SCN4A protein (p.Val247Leu). This variant is present in population databases (rs755321637, gnomAD 0.1%). This variant has not been reported in the literature in individuals affected with SCN4A-related conditions. ClinVar contains an entry for this variant (Variation ID: 954819). Invitae Evidence Modeling of protein sequence and biophysical properties (such as structural, functional, and spatial information, amino acid conservation, physicochemical variation, residue mobility, and thermodynamic stability) has been performed for this missense variant. However, the output from this modeling did not meet the statistical confidence thresholds required to predict the impact of this variant on SCN4A protein function. In summary, the available evidence is currently insufficient to determine the role of this variant in disease. Therefore, it has been classified as a Variant of Uncertain Significance.

GeneDx
Classification: Uncertain significance. Last evaluated: 2025-05-17. Review status: criteria provided, single submitter. Criteria: GeneDx Variant Classification Process June 2021. Collection method: clinical testing. Allele origin: germline.
Comment: In silico analysis suggests that this missense variant does not alter protein structure/function; Has not been previously published as pathogenic or benign to our knowledge; This variant is associated with the following publications: (PMID: 31407473, 29720203)

PreventionGenetics, part of Exact Sciences
Classification: Uncertain significance for SCN4A-related condition. Last evaluated: 2025-01-21. Review status: criteria provided, single submitter. Criteria: ACMG Guidelines, 2015. Collection method: clinical testing. Allele origin: germline.
Comment: The SCN4A c.739G>C variant is predicted to result in the amino acid substitution p.Val247Leu. To our knowledge, this variant has not been reported in the literature. This variant is reported in 0.13% of alleles in individuals of Latino descent in gnomAD. Although we suspect that this variant may be benign, at this time, the clinical significance of this variant is uncertain due to the absence of conclusive functional and genetic evidence.

Fulgent Genetics
Classification: Uncertain significance for Paramyotonia congenita of Von Eulenburg; Hyperkalemic periodic paralysis; Potassium-aggravated myotonia; Hypokalemic periodic paralysis, type 2; Congenital myasthenic syndrome 16; Congenital myopathy 22A, classic; Congenital myopathy 22B, severe fetal. Last evaluated: 2024-02-26. Review status: criteria provided, single submitter. Criteria: ACMG Guidelines, 2015. Collection method: clinical testing. Allele origin: germline.

Revvity Omics, Revvity
Classification: Uncertain significance. Last evaluated: 2022-11-14. Review status: criteria provided, single submitter. Criteria: ACMG Guidelines, 2015. Collection method: clinical testing. Allele origin: germline.